The following is an entry in ClinVar:

ClinVar aggregate classification (germline): Conflicting classifications of pathogenicity. Review status: criteria provided, conflicting classifications (1 of 4 stars). 2 submissions from 2 submitters: Uncertain significance (1); Likely benign (1). Last evaluated 2025-01-21.

Conditions:
Noonan syndrome 9 (NS9). Identifiers: Orphanet 648, MedGen C4225282, MONDO:0014691, OMIM 616559.
Cardiovascular phenotype. Identifiers: MedGen CN230736.

Allele frequency attached by ClinVar (database versions not stated): ExAC 0.00001; gnomAD exomes 0.00001; gnomAD 0.00002; TOPMed 0.00002.
gnomAD v4.1: 8 of 1,602,302 alleles (0.0005%); highest among the groups gnomAD compares: Non-Finnish European, 0.00068%; no homozygotes.

Submissions (2):

Labcorp Genetics (formerly Invitae), Labcorp
Classification: Likely benign for Noonan syndrome 9. Last evaluated: 2025-01-21. Review status: criteria provided, single submitter. Criteria: Invitae Variant Classification Sherloc (09022015). Collection method: clinical testing. Allele origin: germline.

Ambry Genetics
Classification: Uncertain significance for Cardiovascular phenotype. Last evaluated: 2024-02-03. Review status: criteria provided, single submitter. Criteria: Ambry Variant Classification Scheme 2023. Collection method: clinical testing. Allele origin: germline.
Comment: The p.L831R variant (also known as c.2492T>G), located in coding exon 15 of the SOS2 gene, results from a T to G substitution at nucleotide position 2492. The leucine at codon 831 is replaced by arginine, an amino acid with dissimilar properties. This amino acid position is conserved. In addition, the in silico prediction for this alteration is inconclusive. Based on the available evidence, the clinical significance of this alteration remains unclear.

NM_006939.4(SOS2):c.2492T>G (p.Leu831Arg)

Gene: SOS2 (SOS Ras/Rho guanine nucleotide exchange factor 2; minus strand). Cytogenetic location: 14q21.3.
Variant type: single nucleotide variant.
Coding change: c.2492T>G on transcript NM_006939.4 (MANE Select); coding-DNA position 2492, T replaced by G.
Protein change: p.Leu831Arg; replaces leucine 831 with arginine.
Molecular consequence: missense variant.
Genome position (GRCh38, 1-based): chr14:50,145,489, A>C on the plus strand (T>G on the coding strand, the complement: SOS2 is on the minus strand). VCF-style: chr14-50145489-A-C. GRCh37 (hg19) VCF-style: chr14-50612207-A-C.
Other names: c.2492T>G (NM_006939.2); short protein forms L831R.
Identifiers: ClinVar variation 1520840 (VCV001520840.9), dbSNP rs553153992, ClinGen allele CA7177026.